The following is an entry in ClinVar:

ClinVar aggregate classification (germline): Uncertain significance. Review status: criteria provided, multiple submitters, no conflicts (2 of 4 stars). 2 submissions from 2 submitters: Uncertain significance (2). Last evaluated 2025-02-20.

Conditions:
Inborn genetic diseases. Identifiers: MedGen C0950123, MeSH D030342.

Submissions (2):

Ambry Genetics
Classification: Uncertain significance for Inborn genetic diseases. Last evaluated: 2025-02-20. Review status: criteria provided, single submitter. Criteria: Ambry Variant Classification Scheme 2023. Collection method: clinical testing. Allele origin: germline.
Comment: The p.D45N variant (also known as c.133G>A), located in coding exon 2 of the ERCC6L2 gene, results from a G to A substitution at nucleotide position 133. The aspartic acid at codon 45 is replaced by asparagine, an amino acid with highly similar properties. This amino acid position is conserved. In addition, this alteration is predicted to be tolerated by in silico analysis. Based on the available evidence, the clinical significance of this variant remains unclear.

Labcorp Genetics (formerly Invitae), Labcorp
Classification: Uncertain significance. Last evaluated: 2022-07-30. Review status: criteria provided, single submitter. Criteria: Invitae Variant Classification Sherloc (09022015). Collection method: clinical testing. Allele origin: germline.
Comment: This variant is present in population databases (no rsID available, gnomAD 0.0009%). This sequence change replaces aspartic acid, which is acidic and polar, with asparagine, which is neutral and polar, at codon 56 of the ERCC6L2 protein (p.Asp56Asn). This variant has not been reported in the literature in individuals affected with ERCC6L2-related conditions. In summary, the available evidence is currently insufficient to determine the role of this variant in disease. Therefore, it has been classified as a Variant of Uncertain Significance. Algorithms developed to predict the effect of missense changes on protein structure and function output the following: SIFT: "Tolerated"; PolyPhen-2: "Not Available"; Align-GVGD: "Class C0". The asparagine amino acid residue is found in multiple mammalian species, which suggests that this missense change does not adversely affect protein function.

NM_020207.7(ERCC6L2):c.133G>A (p.Asp45Asn)

Gene: ERCC6L2 (ERCC excision repair 6 like 2; plus strand). Cytogenetic location: 9q22.32.
Variant type: single nucleotide variant.
Coding change: c.133G>A on transcript NM_020207.7 (MANE Select); coding-DNA position 133, G replaced by A.
Protein change: p.Asp45Asn; replaces aspartic acid 45 with asparagine.
Molecular consequence: missense variant. On other transcripts: non-coding transcript variant (1).
Genome position (GRCh38, 1-based): chr9:95,880,955, G>A. VCF-style: chr9-95880955-G-A. GRCh37 (hg19) VCF-style: chr9-98643237-G-A.
Other names: c.133G>A, p.Asp45Asn (NM_001010895.4, NM_001375291.1, NM_001375292.1 and 2 more transcripts); short protein forms D45N.
Identifiers: ClinVar variation 1936832 (VCV001936832.6), dbSNP rs1236091492, ClinGen allele CA374116807.